The following is an entry in ClinVar:

NM_000136.3(FANCC):c.346G>C (p.Gly116Arg)

Gene: FANCC (FA complementation group C; minus strand). Cytogenetic location: 9q22.32.
Variant type: single nucleotide variant.
Coding change: c.346G>C on transcript NM_000136.3 (MANE Select); coding-DNA position 346, G replaced by C.
Protein change: p.Gly116Arg; replaces glycine 116 with arginine.
Molecular consequence: missense variant.
Genome position (GRCh38, 1-based): chr9:95,172,147, C>G on the plus strand (G>C on the coding strand, the complement: FANCC is on the minus strand). VCF-style: chr9-95172147-C-G. GRCh37 (hg19) VCF-style: chr9-97934429-C-G.
Other names: c.346G>C, p.Gly116Arg (NM_001243743.2, NM_001243744.2); c.346G>C (NM_000136.2); short protein forms G116R.
Identifiers: ClinVar variation 1053475 (VCV001053475.10), dbSNP rs1440493340, ClinGen allele CA374338920.

ClinVar aggregate classification (germline): Uncertain significance. Review status: criteria provided, multiple submitters, no conflicts (2 of 4 stars). 2 submissions from 2 submitters: Uncertain significance (2). Last evaluated 2022-11-23.

Conditions:
Hereditary cancer-predisposing syndrome. Also called: Tumor predisposition; Hereditary neoplastic syndrome; Hereditary Cancer Syndrome; Neoplastic Syndromes, Hereditary. Identifiers: Orphanet 140162, MedGen C0027672, MeSH D009386, MONDO:0015356.
Fanconi anemia (FA). Also called: Fanconi's anemia. Identifiers: Orphanet 84, MedGen C0015625, MeSH D005199, MONDO:0019391.

Allele frequency attached by ClinVar (database versions not stated): gnomAD exomes below 0.00001.
gnomAD v4.1: 2 of 1,589,732 alleles (0.00013%); highest among the groups gnomAD compares: South Asian, 0.0011%; no homozygotes.

Submissions (2):

Ambry Genetics
Classification: Uncertain significance for Hereditary cancer-predisposing syndrome. Last evaluated: 2022-11-23. Review status: criteria provided, single submitter. Criteria: Ambry Variant Classification Scheme 2023. Collection method: clinical testing. Allele origin: germline.
Comment: The p.G116R variant (also known as c.346G>C) is located in coding exon 4 of the FANCC gene. The glycine at codon 116 is replaced by arginine, an amino acid with dissimilar properties. This change occurs in the first base pair of coding exon 4. This amino acid position is conserved. In addition, this alteration is predicted to be tolerated by in silico analysis. Since supporting evidence is limited at this time, the clinical significance of this alteration remains unclear.

Labcorp Genetics (formerly Invitae), Labcorp
Classification: Uncertain significance for Fanconi anemia. Last evaluated: 2020-02-19. Review status: criteria provided, single submitter. Criteria: Invitae Variant Classification Sherloc (09022015). Collection method: clinical testing. Allele origin: germline.
Comment: In summary, the available evidence is currently insufficient to determine the role of this variant in disease. Therefore, it has been classified as a Variant of Uncertain Significance. Algorithms developed to predict the effect of missense changes on protein structure and function output the following: SIFT: "Tolerated"; PolyPhen-2: "Benign"; Align-GVGD: "Class C0". The arginine amino acid residue is found in multiple mammalian species, suggesting that this missense change does not adversely affect protein function. These predictions have not been confirmed by published functional studies and their clinical significance is uncertain. This variant has not been reported in the literature in individuals with FANCC-related conditions. This variant is not present in population databases (ExAC no frequency). This sequence change replaces glycine with arginine at codon 116 of the FANCC protein (p.Gly116Arg). The glycine residue is moderately conserved and there is a moderate physicochemical difference between glycine and arginine.